The following is an entry in ClinVar:

ClinVar aggregate classification (germline): Conflicting classifications of pathogenicity. Review status: criteria provided, conflicting classifications (1 of 4 stars). 4 submissions from 4 submitters: Uncertain significance (3); Likely benign (1). Last evaluated 2026-01-16.

Conditions:
Long QT syndrome (LQTS). Identifiers: MedGen C0023976, MeSH D008133, MONDO:0002442. Disease mechanism: loss of function. Inheritance: Various modes of inheritance.
Cardiovascular phenotype. Identifiers: MedGen CN230736.
Cardiac arrhythmia, ankyrin-B-related. Also called: ANKYRIN-B SYNDROME. Identifiers: Orphanet 101016, Orphanet 768, MedGen C1970119, MONDO:0010958, OMIM 600919.

Allele frequency attached by ClinVar (database versions not stated): gnomAD exomes 0.00001 and 0.00002; ExAC 0.00002; gnomAD 0.00009 and 0.00010; TOPMed 0.00009; ESP Exome Variant Server 0.00015.
gnomAD v4.1: 27 of 1,613,938 alleles (0.0017%); highest among the groups gnomAD compares: African/African-American, 0.028%; no homozygotes.

Submissions (4):

Labcorp Genetics (formerly Invitae), Labcorp
Classification: Uncertain significance for Long QT syndrome. Last evaluated: 2026-01-16. Review status: criteria provided, single submitter. Criteria: Invitae Variant Classification Sherloc (09022015). Collection method: clinical testing. Allele origin: germline.
Comment: This sequence change replaces methionine, which is neutral and non-polar, with isoleucine, which is neutral and non-polar, at codon 2699 of the ANK2 protein (p.Met2699Ile). This variant is present in population databases (rs148904454, gnomAD 0.04%). This variant has not been reported in the literature in individuals affected with ANK2-related conditions. ClinVar contains an entry for this variant (Variation ID: 406494). An algorithm developed to predict the effect of missense changes on protein structure and function outputs the following: PolyPhen-2: "Benign". The isoleucine amino acid residue is found in multiple mammalian species, which suggests that this missense change does not adversely affect protein function. In summary, the available evidence is currently insufficient to determine the role of this variant in disease. Therefore, it has been classified as a Variant of Uncertain Significance.

Ambry Genetics
Classification: Likely benign for Cardiovascular phenotype. Last evaluated: 2025-11-08. Review status: criteria provided, single submitter. Criteria: Ambry Variant Classification Scheme 2023. Collection method: clinical testing. Allele origin: germline.

GeneDx
Classification: Uncertain significance. Last evaluated: 2024-05-01. Review status: criteria provided, single submitter. Criteria: GeneDx Variant Classification Process June 2021. Collection method: clinical testing. Allele origin: germline. Affected: yes.
Comment: Has not been previously published as pathogenic or benign to our knowledge; In silico analysis indicates that this missense variant does not alter protein structure/function; Located in exon 38, which is reported as being expressed in a brain-specific transcript (PMID: 1830053, 18790697, 26109584); This variant is associated with the following publications: (PMID: 1830053, 18790697, 26109584)

Fulgent Genetics
Classification: Uncertain significance for Cardiac arrhythmia, ankyrin-B-related. Last evaluated: 2021-07-23. Review status: criteria provided, single submitter. Criteria: ACMG Guidelines, 2015. Collection method: clinical testing. Allele origin: unknown.

NM_001148.6(ANK2):c.8097G>A (p.Met2699Ile)

Gene: ANK2 (ankyrin 2; plus strand). Cytogenetic location: 4q26.
Variant type: single nucleotide variant.
Coding change: c.8097G>A on transcript NM_001148.6 (MANE Select); coding-DNA position 8097, G replaced by A.
Protein change: p.Met2699Ile; replaces methionine 2699 with isoleucine.
Molecular consequence: missense variant. On other transcripts: intron variant (68).
Genome position (GRCh38, 1-based): chr4:113,356,715, G>A. VCF-style: chr4-113356715-G-A. GRCh37 (hg19) VCF-style: chr4-114277871-G-A.
Other names: c.7863G>A, p.Met2621Ile (NM_001386142.1); c.4497G>A, p.Met1499Ile (NM_001386166.1); c.8238G>A, p.Met2746Ile (NM_001386174.1); c.8214G>A, p.Met2738Ile (NM_001386175.1); c.4412-4108G>A (NM_001386186.2, NM_001386148.2); c.4214-4108G>A (NM_001354269.3); c.4292-4108G>A (NM_001386187.2); c.4253-4108G>A (NM_001386147.1); and 35 more; short protein forms M2699I, M1499I, M2621I, M2738I, M2746I.
Identifiers: ClinVar variation 406494 (VCV000406494.13), dbSNP rs148904454, ClinGen allele CA3051711.